The following is an entry in ClinVar:

ClinVar aggregate classification (germline): Uncertain significance (1 of 4 stars; one submission).

Allele frequency attached by ClinVar (database versions not stated): gnomAD exomes below 0.00001; TOPMed below 0.00001; ExAC 0.00002; gnomAD 0.00004.

Submission:

Labcorp Genetics (formerly Invitae), Labcorp
Classification: Uncertain significance. Last evaluated: 2024-03-01. Review status: criteria provided, single submitter. Criteria: Invitae Variant Classification Sherloc (09022015). Collection method: clinical testing. Allele origin: germline.
Comment: This sequence change replaces alanine, which is neutral and non-polar, with serine, which is neutral and polar, at codon 125 of the NT5C3A protein (p.Ala125Ser). This variant is present in population databases (rs761341823, gnomAD 0.006%). This variant has not been reported in the literature in individuals affected with NT5C3A-related conditions. Advanced modeling of protein sequence and biophysical properties (such as structural, functional, and spatial information, amino acid conservation, physicochemical variation, residue mobility, and thermodynamic stability) performed at Invitae indicates that this missense variant is not expected to disrupt NT5C3A protein function with a negative predictive value of 80%. In summary, the available evidence is currently insufficient to determine the role of this variant in disease. Therefore, it has been classified as a Variant of Uncertain Significance.

NM_001002010.5(NT5C3A):c.475G>T (p.Ala159Ser)

Gene: NT5C3A (5'-nucleotidase, cytosolic IIIA; minus strand). Cytogenetic location: 7p14.3.
Variant type: single nucleotide variant.
Coding change: c.475G>T on transcript NM_001002010.5 (MANE Select); coding-DNA position 475, G replaced by T.
Protein change: p.Ala159Ser; replaces alanine 159 with serine.
Molecular consequence: missense variant.
Genome position (GRCh38, 1-based): chr7:33,019,690, C>A on the plus strand (G>T on the coding strand, the complement: NT5C3A is on the minus strand). VCF-style: chr7-33019690-C-A. GRCh37 (hg19) VCF-style: chr7-33059302-C-A.
Other names: c.337G>T, p.Ala113Ser (NM_001166118.3, NM_001356996.3, NM_001374336.1 and 1 more transcripts); c.376G>T, p.Ala126Ser (NM_001374335.1); c.475G>T, p.Ala159Ser (NM_001374338.1); c.274G>T, p.Ala92Ser (NM_001374339.1); c.373G>T, p.Ala125Ser (NM_016489.14, NM_001002009.3); short protein forms A125S, A126S, A113S, A92S, A159S.
Identifiers: ClinVar variation 2908036 (VCV002908036.3), dbSNP rs761341823, ClinGen allele CA4213406.
Genomic context (GRCh38, chr7:33,019,690, plus strand): 5'-CTTACTTGAGCATAACGTCAGATTCTGCCACAATTTCTTTAAGTTTAGCTTTTGGTAAAG[C>A]TTGCTGAACAAGCAAACCATGTGATTTAGTATACCTGGAGTTTATGACCAAAGGAAAAAA-3'
Protein context (NP_001002010.2, residues 149-169): TKSHGLLVQQ[Ala159Ser]LPKAKLKEIV